The following is an entry in ClinVar:

NM_002863.5(PYGL):c.898G>A (p.Val300Met)

Gene: PYGL (glycogen phosphorylase L; minus strand). Cytogenetic location: 14q22.1.
Variant type: single nucleotide variant.
Coding change: c.898G>A on transcript NM_002863.5 (MANE Select); coding-DNA position 898, G replaced by A.
Protein change: p.Val300Met; replaces valine 300 with methionine.
Molecular consequence: missense variant.
Genome position (GRCh38, 1-based): chr14:50,917,063, C>T on the plus strand (G>A on the coding strand, the complement: PYGL is on the minus strand). VCF-style: chr14-50917063-C-T. GRCh37 (hg19) VCF-style: chr14-51383781-C-T.
Other names: p.Val300Met; c.796G>A, p.Val266Met (NM_001163940.2); short protein forms V266M, V300M.
Identifiers: ClinVar variation 4541829 (VCV004541829.1).

ClinVar aggregate classification (germline): Uncertain significance (1 of 4 stars; one submission).

gnomAD v4.1: 4 of 1,613,918 alleles (0.00025%); highest among the groups gnomAD compares: East Asian, 0.0022%; no homozygotes.

Submission:

Mayo Clinic Laboratories, Mayo Clinic
Classification: Uncertain significance. Last evaluated: 2024-12-23. Review status: criteria provided, single submitter. Criteria: ACMG Guidelines, 2015. Collection method: clinical testing. Allele origin: germline. Observed: 1 variant allele.
Comment: PM2_supporting